The following is an entry in ClinVar:

ClinVar aggregate classification (germline): Likely pathogenic. Review status: criteria provided, multiple submitters, no conflicts (2 of 4 stars). 3 submissions from 3 submitters: Likely pathogenic (2). 1 of the submissions does not count toward it. Last evaluated 2025-05-08.

Conditions:
Alport syndrome. Also called: Hemorrhagic familial nephritis; Hemorrhagic hereditary nephritis; Congenital hereditary hematuria. Identifiers: Orphanet 63, MedGen C1567741, MONDO:0018965.
Autosomal dominant Alport syndrome (ATS3A). Also called: Alport syndrome dominant type; Renal failure and sensorineural hearing loss; ALPORT SYNDROME 3A, AUTOSOMAL DOMINANT. Identifiers: Orphanet 63, Orphanet 88918, MedGen C5882663, MONDO:0007086, OMIM 104200.
COL4A3-related disorder. Also called: COL4A3-Related Disorders; COL4A3-related condition.

Allele frequency attached by ClinVar (database versions not stated): gnomAD exomes below 0.00001; TOPMed below 0.00001.

Submissions (3):

Myriad Genetics, Inc.
Classification: Likely pathogenic for Alport syndrome. Last evaluated: 2025-05-08. Review status: criteria provided, single submitter. Criteria: Myriad Autosomal Dominant, Autosomal Recessive and X-Linked Classification Criteria (2023). Collection method: clinical testing. Allele origin: unknown.
Comment: NM_000091.4(COL4A3):c.1261G>A(G421S) is a missense variant classified as likely pathogenic in the context of Alport syndrome, COL4A3-related. G421S has been observed in a case with relevant disease (Dahan_2022_(Presentation)). Relevant functional assessments of this variant are not available in the literature. Internal structural analysis of the variant is supportive of pathogenicity. G421S has been observed in referenced population frequency databases. In summary, NM_000091.4(COL4A3):c.1261G>A(G421S) is a missense variant that has internal structural support for pathogenicity and has been observed more frequently in cases with the relevant disease than in healthy populations. Please note: this variant was assessed in the context of healthy population screening.

Blueprint Genetics
Classification: Likely pathogenic for COL4A3-related disorders. Last evaluated: 2022-06-27. Review status: criteria provided, single submitter. Criteria: ACMG Guidelines, 2015. Collection method: clinical testing. Allele origin: germline. Affected: yes. Observed: 2 variant alleles.

Bioscientia Institut fuer Medizinische Diagnostik GmbH, Sonic Healthcare
Classification: Likely pathogenic for Autosomal dominant Alport syndrome. Last evaluated: 2019-10-25. Review status: no assertion criteria provided. Collection method: clinical testing. Allele origin: germline. Affected: yes. Not counted in ClinVar's aggregate classification.

NM_000091.5(COL4A3):c.1261G>A (p.Gly421Ser)

Genes: COL4A3 (collagen type IV alpha 3 chain; plus strand), MFF-DT (MFF divergent transcript; minus strand). Cytogenetic location: 2q36.3.
Variant type: single nucleotide variant.
Coding change: c.1261G>A on transcript NM_000091.5 (MANE Select); coding-DNA position 1261, G replaced by A.
Protein change: p.Gly421Ser; replaces glycine 421 with serine.
Molecular consequence: missense variant.
Genome position (GRCh38, 1-based): chr2:227,263,890, G>A. VCF-style: chr2-227263890-G-A. GRCh37 (hg19) VCF-style: chr2-228128606-G-A.
Other names: short protein forms G421S.
Identifiers: ClinVar variation 829917 (VCV000829917.4), dbSNP rs1363441287, ClinGen allele CA350869359.